The following is an entry in ClinVar:

NM_032444.4(SLX4):c.1892G>C (p.Ser631Thr)

Gene: SLX4 (SLX4 structure-specific endonuclease subunit; minus strand). Cytogenetic location: 16p13.3.
Variant type: single nucleotide variant.
Coding change: c.1892G>C on transcript NM_032444.4 (MANE Select); coding-DNA position 1892, G replaced by C.
Protein change: p.Ser631Thr; replaces serine 631 with threonine.
Molecular consequence: missense variant.
Genome position (GRCh38, 1-based): chr16:3,596,185, C>G on the plus strand (G>C on the coding strand, the complement: SLX4 is on the minus strand). VCF-style: chr16-3596185-C-G. GRCh37 (hg19) VCF-style: chr16-3646186-C-G.
Other names: short protein forms S631T.
Identifiers: ClinVar variation 1387130 (VCV001387130.8), dbSNP rs2151129871, ClinGen allele CA394526995.
Genomic context (GRCh38, chr16:3,596,185, plus strand): 5'-GGCCCTAGAGTCCCACCCAGCATCTCACCTGCAGTCCCTTCCGAGCCAGCCAGGCCCCCA[C>G]TGCCGGGCCACGGGCTGGCGCTCAGTCCCTCCCTCGCCAGGTCCACGAGGTCCTGCAGGG-3'
Protein context (NP_115820.2, residues 621-641): EGLSASPWPG[Ser631Thr]GGLAGSEGTA

ClinVar aggregate classification (germline): Uncertain significance (1 of 4 stars; one submission).

Conditions:
Fanconi anemia (FA). Also called: Fanconi's anemia. Identifiers: Orphanet 84, MedGen C0015625, MeSH D005199, MONDO:0019391.

Submission:

Labcorp Genetics (formerly Invitae), Labcorp
Classification: Uncertain significance for Fanconi anemia. Last evaluated: 2022-02-10. Review status: criteria provided, single submitter. Criteria: Invitae Variant Classification Sherloc (09022015). Collection method: clinical testing. Allele origin: germline.
Comment: This variant has not been reported in the literature in individuals affected with SLX4-related conditions. This sequence change replaces serine, which is neutral and polar, with threonine, which is neutral and polar, at codon 631 of the SLX4 protein (p.Ser631Thr). This variant is not present in population databases (gnomAD no frequency). Algorithms developed to predict the effect of missense changes on protein structure and function output the following: SIFT: "Tolerated"; PolyPhen-2: "Possibly Damaging"; Align-GVGD: "Class C0". The threonine amino acid residue is found in multiple mammalian species, which suggests that this missense change does not adversely affect protein function. In summary, the available evidence is currently insufficient to determine the role of this variant in disease. Therefore, it has been classified as a Variant of Uncertain Significance.